The following is an entry in ClinVar:

NM_015046.7(SETX):c.4624G>A (p.Glu1542Lys)

Gene: SETX (senataxin; minus strand). Cytogenetic location: 9q34.13.
Variant type: single nucleotide variant.
Coding change: c.4624G>A on transcript NM_015046.7 (MANE Select); coding-DNA position 4624, G replaced by A.
Protein change: p.Glu1542Lys; replaces glutamic acid 1542 with lysine.
Molecular consequence: missense variant.
Genome position (GRCh38, 1-based): chr9:132,326,974, C>T on the plus strand (G>A on the coding strand, the complement: SETX is on the minus strand). VCF-style: chr9-132326974-C-T. GRCh37 (hg19) VCF-style: chr9-135202361-C-T.
Other names: c.4624G>A, p.Glu1542Lys (NM_001351527.2, NM_001351528.2); short protein forms E1542K.
Identifiers: ClinVar variation 1391609 (VCV001391609.6), dbSNP rs2131431252, ClinGen allele CA375325493.

ClinVar aggregate classification (germline): Uncertain significance (1 of 4 stars; one submission).

Conditions:
Amyotrophic lateral sclerosis type 4 (ALS4). Also called: AMYOTROPHIC LATERAL SCLEROSIS 4, JUVENILE; NEURONOPATHY, DISTAL HEREDITARY MOTOR, WITH PYRAMIDAL FEATURES. Identifiers: Orphanet 357043, MedGen C1865409, MONDO:0011223, OMIM 602433.
Spinocerebellar ataxia, autosomal recessive, with axonal neuropathy 2 (SCAN2). Also called: Ataxia with Oculomotor Apraxia Type 2; Ataxia-ocular apraxia-2; ATAXIA-OCULOMOTOR APRAXIA 2; Ataxia with Oculomotor Apraxia. Identifiers: Orphanet 64753, MedGen C1853761, MONDO:0018996, OMIM 606002.

Submission:

Labcorp Genetics (formerly Invitae), Labcorp
Classification: Uncertain significance for Amyotrophic lateral sclerosis type 4; Spinocerebellar ataxia, autosomal recessive, with axonal neuropathy 2. Last evaluated: 2021-11-06. Review status: criteria provided, single submitter. Criteria: Invitae Variant Classification Sherloc (09022015). Collection method: clinical testing. Allele origin: germline.
Comment: Advanced modeling of protein sequence and biophysical properties (such as structural, functional, and spatial information, amino acid conservation, physicochemical variation, residue mobility, and thermodynamic stability) performed at Invitae indicates that this missense variant is not expected to disrupt SETX protein function. This sequence change replaces glutamic acid, which is acidic and polar, with lysine, which is basic and polar, at codon 1542 of the SETX protein (p.Glu1542Lys). This variant is not present in population databases (gnomAD no frequency). This variant has not been reported in the literature in individuals affected with SETX-related conditions. In summary, the available evidence is currently insufficient to determine the role of this variant in disease. Therefore, it has been classified as a Variant of Uncertain Significance.